The following is an entry in ClinVar:

NM_001379403.1(WDR26):c.2017A>G (p.Thr673Ala)

Gene: WDR26 (WD repeat domain 26; minus strand). Cytogenetic location: 1q42.11.
Variant type: single nucleotide variant.
Coding change: c.2017A>G on transcript NM_001379403.1 (MANE Select); coding-DNA position 2017, A replaced by G.
Protein change: p.Thr673Ala; replaces threonine 673 with alanine.
Molecular consequence: missense variant.
Genome position (GRCh38, 1-based): chr1:224,398,154, T>C on the plus strand (A>G on the coding strand, the complement: WDR26 is on the minus strand). VCF-style: chr1-224398154-T-C. GRCh37 (hg19) VCF-style: chr1-224585856-T-C.
Other names: c.1669A>G, p.Thr557Ala (NM_001115113.3); c.1717A>G, p.Thr573Ala (NM_025160.7); short protein forms T557A, T573A, T673A.
Identifiers: ClinVar variation 4072773 (VCV004072773.2).

ClinVar aggregate classification (germline): Uncertain significance (1 of 4 stars; one submission).

Submission:

GeneDx
Classification: Uncertain significance. Last evaluated: 2025-10-22. Review status: criteria provided, single submitter. Criteria: GeneDx Variant Classification Process June 2021. Collection method: clinical testing. Allele origin: germline.
Comment: Not observed at significant frequency in large population cohorts (gnomAD); In silico analysis supports that this missense variant has a deleterious effect on protein structure/function; Has not been previously published as pathogenic or benign to our knowledge